The following is an entry in ClinVar:

ClinVar aggregate classification (germline): Conflicting classifications of pathogenicity. Review status: criteria provided, conflicting classifications (1 of 4 stars). 5 submissions from 4 submitters: Uncertain significance (1); Benign (2); Likely benign (2). Last evaluated 2026-08-06.

Conditions:
Charcot-Marie-Tooth disease axonal type 2O. Also called: Charcot-Marie-Tooth Neuropathy Type 2O; CHARCOT-MARIE-TOOTH NEUROPATHY, AXONAL, TYPE 2O; CHARCOT-MARIE-TOOTH DISEASE, AXONAL, AUTOSOMAL DOMINANT, TYPE 2O; Charcot-Marie-Tooth disease, axonal, type 20. Identifiers: Orphanet 284232, MedGen C3280220, MONDO:0013644, OMIM 614228.
DYNC1H1-related disorder. Also called: DYNC1H1-related disorders; DYNC1H1-related condition. Identifiers: MedGen CN381529.
Autosomal dominant cerebellar ataxia. Also called: Spinocerebellar Ataxia, Dominant. Identifiers: Orphanet 99, MedGen C4087347, MONDO:0020380.

Allele frequency attached by ClinVar (database versions not stated): 1000 Genomes Project 0.00040; gnomAD 0.00001 and 0.00006; TOPMed 0.00004; gnomAD exomes 0.00016 and 0.00022; ExAC 0.00028; 1000 Genomes Project 30x 0.00031.
gnomAD v4.1: 240 of 1,613,862 alleles (0.015%); highest among the groups gnomAD compares: South Asian, 0.17%; no homozygotes.

Submissions (5):

PreventionGenetics, part of Exact Sciences
Classification: Likely benign for DYNC1H1-related condition. Last evaluated: 2026-08-06. Review status: criteria provided, single submitter. Criteria: ACMG Guidelines, 2015. Collection method: clinical testing. Allele origin: germline.
Comment: This variant is classified as likely benign based on ACMG/AMP sequence variant interpretation guidelines (Richards et al. 2015 PMID: 25741868, with internal and published modifications).

Labcorp Genetics (formerly Invitae), Labcorp
Classification: Benign for Charcot-Marie-Tooth disease axonal type 2O. Last evaluated: 2025-10-29. Review status: criteria provided, single submitter. Criteria: Invitae Variant Classification Sherloc (09022015). Collection method: clinical testing. Allele origin: germline.

Illumina Laboratory Services, Illumina
Classification: Benign for Spinocerebellar Ataxia, Dominant. Last evaluated: 2018-01-13. Review status: criteria provided, single submitter. Criteria: ICSL Variant Classification Criteria 13 December 2019. Collection method: clinical testing. Allele origin: germline.
Comment: This variant was observed in the ICSL laboratory as part of a predisposition screen in an ostensibly healthy population. It had not been previously curated by ICSL or reported in the Human Gene Mutation Database (HGMD: prior to June 1st, 2018), and was therefore a candidate for classification through an automated scoring system. Utilizing variant allele frequency, disease prevalence and penetrance estimates, and inheritance mode, an automated score was calculated to assess if this variant is too frequent to cause the disease. Based on the score and internal cut-off values, a variant classified as benign is not then subjected to further curation. The score for this variant resulted in a classification of benign for this disease.

Illumina Laboratory Services, Illumina
Classification: Likely benign for Charcot-Marie-Tooth disease axonal type 2O. Last evaluated: 2018-01-13. Review status: criteria provided, single submitter. Criteria: ICSL Variant Classification Criteria 13 December 2019. Collection method: clinical testing. Allele origin: germline.
Comment: This variant was observed in the ICSL laboratory as part of a predisposition screen in an ostensibly healthy population. It had not been previously curated by ICSL or reported in the Human Gene Mutation Database (HGMD: prior to June 1st, 2018), and was therefore a candidate for classification through an automated scoring system. Utilizing variant allele frequency, disease prevalence and penetrance estimates, and inheritance mode, an automated score was calculated to assess if this variant is too frequent to cause the disease. Based on the score and internal cut-off values, a variant classified as likely benign is not then subjected to further curation. The score for this variant resulted in a classification of likely benign for this disease.

Genetic Services Laboratory, University of Chicago
Classification: Uncertain significance. Last evaluated: 2015-11-17. Review status: criteria provided, single submitter. Criteria: ACMG Guidelines, 2015. Collection method: clinical testing. Allele origin: germline. Affected: no.

NM_001376.5(DYNC1H1):c.12759C>T (p.Gly4253=)

Gene: DYNC1H1 (dynein cytoplasmic 1 heavy chain 1; plus strand). Cytogenetic location: 14q32.31.
Variant type: single nucleotide variant.
Coding change: c.12759C>T on transcript NM_001376.5 (MANE Select); coding-DNA position 12759, C replaced by T.
Protein change: p.Gly4253=; no amino-acid change (glycine 4253 retained).
Molecular consequence: synonymous variant.
Genome position (GRCh38, 1-based): chr14:102,044,348, C>T. VCF-style: chr14-102044348-C-T. GRCh37 (hg19) VCF-style: chr14-102510685-C-T.
Identifiers: ClinVar variation 312658 (VCV000312658.20), dbSNP rs529010293, ClinGen allele CA7354027.